The following is an entry in ClinVar:

ClinVar aggregate classification (germline): Likely pathogenic (1 of 4 stars; one submission).

Conditions:
Duchenne muscular dystrophy (DMD). Also called: Duchenne Muscular Dystrophy (DMD); MUSCULAR DYSTROPHY, PSEUDOHYPERTROPHIC PROGRESSIVE, DUCHENNE TYPE. Identifiers: Orphanet 98896, MedGen C0013264, MONDO:0010679, OMIM 310200.

Submission:

3billion
Classification: Likely pathogenic for Duchenne muscular dystrophy. Last evaluated: 2023-12-18. Review status: criteria provided, single submitter. Criteria: ACMG Guidelines, 2015. Collection method: clinical testing. Allele origin: germline. Affected: yes.
Comment: The variant is not observed in the gnomAD v2.1.1 dataset. Predicted Consequence/Location: Frameshift: predicted to result in a loss or disruption of normal protein function through nonsense-mediated decay (NMD) or protein truncation. Multiple pathogenic variants are reported downstream of the variant. Therefore, this variant is classified as Likely pathogenic according to the recommendation of ACMG/AMP guideline.

NM_004006.3(DMD):c.7834dup (p.Thr2612fs)

Gene: DMD (dystrophin; minus strand). Cytogenetic location: Xp21.1.
Variant type: Duplication.
Coding change: c.7834dup on transcript NM_004006.3 (MANE Select); coding-DNA position 7834, one base duplicated (A; older notation c.7834dupA).
Protein change: p.Thr2612fs; shifts the reading frame from threonine 2612.
Molecular consequence: frameshift variant.
Genome position (GRCh38, 1-based): chrX:31,679,413, T duplicated on the plus strand (A on the coding strand, the reverse complement: DMD is on the minus strand). VCF-style (leftmost placement, unchanged base first): chrX-31679412-G-GT. GRCh37 (hg19) VCF-style: chrX-31697529-G-GT.
Other names: c.7810dup, p.Thr2604fs (NM_000109.4); c.7822dup, p.Thr2608fs (NM_004009.3); c.7465dup, p.Thr2489fs (NM_004010.3); c.3811dup, p.Thr1271fs (NM_004011.4); c.3802dup, p.Thr1268fs (NM_004012.4); c.454dup, p.Thr152fs (NM_004013.3, NM_004020.4, NM_004021.3 and 2 more transcripts); short protein forms T1268fs, T1271fs, T152fs, T2489fs, T2604fs, T2608fs, T2612fs.
Identifiers: ClinVar variation 3775436 (VCV003775436.1).